The following is an entry in ClinVar:

ClinVar aggregate classification (germline): Uncertain significance. Review status: criteria provided, multiple submitters, no conflicts (2 of 4 stars). 4 submissions from 4 submitters: Uncertain significance (4). Last evaluated 2025-12-16.

Conditions:
ODAD2-related disorder. Also called: ODAD2-related condition.
Primary ciliary dyskinesia 23 (CILD23). Also called: CILIARY DYSKINESIA, PRIMARY, 23, WITH OR WITHOUT SITUS INVERSUS. Identifiers: Orphanet 244, MedGen C3809548, MONDO:0014193, OMIM 615451.
Primary ciliary dyskinesia. Also called: Ciliary dyskinesia. Identifiers: Orphanet 244, MedGen C0008780, MONDO:0016575, HP:0012265.

Allele frequency attached by ClinVar (database versions not stated): gnomAD 0.00002 and 0.00003; gnomAD exomes 0.00003 and 0.00001; TOPMed 0.00003; ExAC 0.00005.
gnomAD v4.1: 21 of 1,608,998 alleles (0.0013%); highest among the groups gnomAD compares: Admixed American, 0.035%; no homozygotes.

Submissions (4):

Ambry Genetics
Classification: Uncertain significance for Primary ciliary dyskinesia. Last evaluated: 2025-12-16. Review status: criteria provided, single submitter. Criteria: Ambry Variant Classification Scheme 2023. Collection method: clinical testing. Allele origin: germline.

PreventionGenetics, part of Exact Sciences
Classification: Uncertain significance for ODAD2-related condition. Last evaluated: 2025-10-02. Review status: criteria provided, single submitter. Criteria: ACMG Guidelines, 2015. Collection method: clinical testing. Allele origin: germline.
Comment: The ODAD2 c.521T>C variant is predicted to result in the amino acid substitution p.Leu174Pro. To our knowledge, this variant has not been reported in the literature. This variant is reported in 0.026% of alleles in individuals of Latino descent in gnomAD. At this time, the clinical significance of this variant is uncertain due to the absence of conclusive functional and genetic evidence.

Labcorp Genetics (formerly Invitae), Labcorp
Classification: Uncertain significance for Primary ciliary dyskinesia 23. Last evaluated: 2022-02-12. Review status: criteria provided, single submitter. Criteria: Invitae Variant Classification Sherloc (09022015). Collection method: clinical testing. Allele origin: germline.
Comment: This sequence change replaces leucine, which is neutral and non-polar, with proline, which is neutral and non-polar, at codon 174 of the ARMC4 protein (p.Leu174Pro). This variant is present in population databases (rs767173014, gnomAD 0.03%). This variant has not been reported in the literature in individuals affected with ARMC4-related conditions. ClinVar contains an entry for this variant (Variation ID: 474589). Algorithms developed to predict the effect of missense changes on protein structure and function are either unavailable or do not agree on the potential impact of this missense change (SIFT: "Deleterious"; PolyPhen-2: "Possibly Damaging"; Align-GVGD: "Class C0"). In summary, the available evidence is currently insufficient to determine the role of this variant in disease. Therefore, it has been classified as a Variant of Uncertain Significance.

UNC Molecular Genetics  Laboratory, University of North Carolina at Chapel Hill
Classification: Uncertain significance for Primary ciliary dyskinesia. Last evaluated: 2020-11-02. Review status: criteria provided, single submitter. Criteria: ACMG Guidelines, 2015. Collection method: clinical testing. Allele origin: germline. Observed: 1 heterozygote.

NM_018076.5(ODAD2):c.521T>C (p.Leu174Pro)

Gene: ODAD2 (outer dynein arm docking complex subunit 2; minus strand). Cytogenetic location: 10p12.1.
Variant type: single nucleotide variant.
Coding change: c.521T>C on transcript NM_018076.5 (MANE Select); coding-DNA position 521, T replaced by C.
Protein change: p.Leu174Pro; replaces leucine 174 with proline.
Molecular consequence: missense variant.
Genome position (GRCh38, 1-based): chr10:27,985,073, A>G on the plus strand (T>C on the coding strand, the complement: ODAD2 is on the minus strand). VCF-style: chr10-27985073-A-G. GRCh37 (hg19) VCF-style: chr10-28274002-A-G.
Other names: c.521T>C, p.Leu174Pro (NM_001290020.2); c.521T>C (NM_018076.4); short protein forms L174P.
Identifiers: ClinVar variation 474589 (VCV000474589.10), dbSNP rs767173014, ClinGen allele CA5453800.